The following is an entry in ClinVar:

ClinVar aggregate classification (germline): Uncertain significance (1 of 4 stars; one submission).

Allele frequency attached by ClinVar (database versions not stated): gnomAD exomes below 0.00001.

Submission:

Labcorp Genetics (formerly Invitae), Labcorp
Classification: Uncertain significance. Last evaluated: 2022-08-22. Review status: criteria provided, single submitter. Criteria: Invitae Variant Classification Sherloc (09022015). Collection method: clinical testing. Allele origin: germline.
Comment: This sequence change replaces glutamic acid, which is acidic and polar, with lysine, which is basic and polar, at codon 375 of the GPR179 protein (p.Glu375Lys). This variant is present in population databases (no rsID available, gnomAD 0.003%). In summary, the available evidence is currently insufficient to determine the role of this variant in disease. Therefore, it has been classified as a Variant of Uncertain Significance. Algorithms developed to predict the effect of missense changes on protein structure and function are either unavailable or do not agree on the potential impact of this missense change (SIFT: "Deleterious"; PolyPhen-2: "Benign"; Align-GVGD: "Class C0"). ClinVar contains an entry for this variant (Variation ID: 1346000). This variant has not been reported in the literature in individuals affected with GPR179-related conditions.

NM_001004334.4(GPR179):c.1123G>A (p.Glu375Lys)

Gene: GPR179 (G protein-coupled receptor 179; minus strand). Cytogenetic location: 17q12.
Variant type: single nucleotide variant.
Coding change: c.1123G>A on transcript NM_001004334.4 (MANE Select); coding-DNA position 1123, G replaced by A.
Protein change: p.Glu375Lys; replaces glutamic acid 375 with lysine.
Molecular consequence: missense variant.
Genome position (GRCh38, 1-based): chr17:38,337,082, C>T on the plus strand (G>A on the coding strand, the complement: GPR179 is on the minus strand). VCF-style: chr17-38337082-C-T. GRCh37 (hg19) VCF-style: chr17-36492965-C-T.
Other names: short protein forms E375K.
Identifiers: ClinVar variation 1346000 (VCV001346000.6), dbSNP rs1185128950, ClinGen allele CA398887734.